The following is an entry in ClinVar:

ClinVar aggregate classification (germline): Uncertain significance (1 of 4 stars; one submission).

Allele frequency attached by ClinVar (database versions not stated): TOPMed below 0.00001.

Submission:

Labcorp Genetics (formerly Invitae), Labcorp
Classification: Uncertain significance. Last evaluated: 2021-12-30. Review status: criteria provided, single submitter. Criteria: Invitae Variant Classification Sherloc (09022015). Collection method: clinical testing. Allele origin: germline.
Comment: In summary, the available evidence is currently insufficient to determine the role of this variant in disease. Therefore, it has been classified as a Variant of Uncertain Significance. This sequence change replaces threonine, which is neutral and polar, with proline, which is neutral and non-polar, at codon 3754 of the PCLO protein (p.Thr3754Pro). This variant is not present in population databases (gnomAD no frequency). This variant has not been reported in the literature in individuals affected with PCLO-related conditions. Algorithms developed to predict the effect of missense changes on protein structure and function are either unavailable or do not agree on the potential impact of this missense change (SIFT: "Deleterious"; PolyPhen-2: "Not Available"; Align-GVGD: "Class C0").

NM_033026.6(PCLO):c.11260A>C (p.Thr3754Pro)

Gene: PCLO (piccolo presynaptic cytomatrix protein; minus strand). Cytogenetic location: 7q21.11.
Variant type: single nucleotide variant.
Coding change: c.11260A>C on transcript NM_033026.6 (MANE Select); coding-DNA position 11260, A replaced by C.
Protein change: p.Thr3754Pro; replaces threonine 3754 with proline.
Molecular consequence: missense variant.
Genome position (GRCh38, 1-based): chr7:82,916,726, T>G on the plus strand (A>C on the coding strand, the complement: PCLO is on the minus strand). VCF-style: chr7-82916726-T-G. GRCh37 (hg19) VCF-style: chr7-82546042-T-G.
Other names: c.11260A>C, p.Thr3754Pro (NM_014510.3); short protein forms T3754P.
Identifiers: ClinVar variation 2201108 (VCV002201108.4), dbSNP rs1794476192, ClinGen allele CA367894443.
Genomic context (GRCh38, chr7:82,916,726, plus strand): 5'-CCACAAGATCAAGCTCTCTGTCTATGTCCTGGAGAATCTTGGCTCGTGCCATTGTGTTGG[T>G]TCTGCAGATCCTTCTCCTGGAAACTGTGCCCATTGTGCTGAATGTGGATTGAGTTCCTGT-3'
Protein context (NP_149015.2, residues 3744-3764): GTVSRRRICR[Thr3754Pro]NTMARAKILQ